The following is an entry in ClinVar:

NM_000535.7(PMS2):c.1208C>T (p.Ser403Phe)

Gene: PMS2 (PMS1 homolog 2, mismatch repair system component; minus strand). Cytogenetic location: 7p22.1.
Variant type: single nucleotide variant.
Coding change: c.1208C>T on transcript NM_000535.7 (MANE Select); coding-DNA position 1208, C replaced by T.
Protein change: p.Ser403Phe; replaces serine 403 with phenylalanine.
Molecular consequence: missense variant. On other transcripts: non-coding transcript variant (1).
Genome position (GRCh38, 1-based): chr7:5,987,557, G>A on the plus strand (C>T on the coding strand, the complement: PMS2 is on the minus strand). VCF-style: chr7-5987557-G-A. GRCh37 (hg19) VCF-style: chr7-6027188-G-A.
Other names: c.803C>T, p.Ser268Phe (NM_001322003.2, NM_001322004.2, NM_001322005.2 and 1 more transcripts); c.1052C>T, p.Ser351Phe (NM_001322006.2); c.890C>T, p.Ser297Phe (NM_001322007.2, NM_001322008.2); c.647C>T, p.Ser216Phe (NM_001322010.2); c.275C>T, p.Ser92Phe (NM_001322011.2, NM_001322012.2); c.635C>T, p.Ser212Phe (NM_001322013.2); c.1208C>T, p.Ser403Phe (NM_001322014.2); c.899C>T, p.Ser300Phe (NM_001322015.2); short protein forms S212F, S216F, S268F, S297F, S300F, S351F, S403F, S92F.
Identifiers: ClinVar variation 1171395 (VCV001171395.2), dbSNP rs1004189664, ClinGen allele CA366742561.

ClinVar aggregate classification (germline): Uncertain significance (1 of 4 stars; one submission).

Conditions:
Hereditary cancer-predisposing syndrome. Also called: Tumor predisposition; Hereditary neoplastic syndrome; Hereditary Cancer Syndrome; Neoplastic Syndromes, Hereditary. Identifiers: Orphanet 140162, MedGen C0027672, MeSH D009386, MONDO:0015356.

Submission:

Color Diagnostics, LLC DBA Color Health
Classification: Uncertain significance for Hereditary cancer-predisposing syndrome. Last evaluated: 2021-02-16. Review status: criteria provided, single submitter. Criteria: ACMG Guidelines, 2015. Collection method: clinical testing. Allele origin: germline.
Comment: This missense variant replaces serine with phenylalanine at codon 403 of the PMS2 protein. Computational prediction suggests that this variant may not impact protein structure and function (internally defined REVEL score threshold <= 0.5, PMID: 27666373). To our knowledge, functional studies have not been reported for this variant. This variant has not been reported in individuals affected with hereditary cancer in the literature. This variant has not been identified in the general population by the Genome Aggregation Database (gnomAD). The available evidence is insufficient to determine the role of this variant in disease conclusively. Therefore, this variant is classified as a Variant of Uncertain Significance.